The following is an entry in ClinVar:

ClinVar aggregate classification (germline): Uncertain significance (1 of 4 stars; one submission).

gnomAD v4.1: 5 of 1,614,112 alleles (0.00031%); highest among the groups gnomAD compares: Non-Finnish European, 0.00042%; no homozygotes.

Submission:

Labcorp Genetics (formerly Invitae), Labcorp
Classification: Uncertain significance. Last evaluated: 2025-08-30. Review status: criteria provided, single submitter. Criteria: Invitae Variant Classification Sherloc (09022015). Collection method: clinical testing. Allele origin: germline.
Comment: This sequence change creates a premature translational stop signal (p.Trp5039*) in the HMCN1 gene. It is expected to result in an absent or disrupted protein product. However, the current clinical and genetic evidence is not sufficient to establish whether loss-of-function variants in HMCN1 cause disease. This variant is not present in population databases (gnomAD no frequency). This variant has not been reported in the literature in individuals affected with HMCN1-related conditions. In summary, the available evidence is currently insufficient to determine the role of this variant in disease. Therefore, it has been classified as a Variant of Uncertain Significance.

NM_031935.3(HMCN1):c.15117G>A (p.Trp5039Ter)

Gene: HMCN1 (hemicentin 1; plus strand). Cytogenetic location: 1q31.1.
Variant type: single nucleotide variant.
Coding change: c.15117G>A on transcript NM_031935.3 (MANE Select); coding-DNA position 15117, G replaced by A.
Protein change: p.Trp5039Ter; replaces tryptophan 5039 with a stop codon.
Molecular consequence: nonsense.
Genome position (GRCh38, 1-based): chr1:186,153,848, G>A. VCF-style: chr1-186153848-G-A. GRCh37 (hg19) VCF-style: chr1-186122980-G-A.
Other names: short protein forms W5039*.
Identifiers: ClinVar variation 4772544 (VCV004772544.1).